The following is an entry in ClinVar:

ClinVar aggregate classification (germline): Likely benign. Review status: criteria provided, multiple submitters, no conflicts (2 of 4 stars). 2 submissions from 2 submitters: Likely benign (2). Last evaluated 2024-10-19.

Conditions:
FGB-related disorder. Also called: FGB-related condition.

gnomAD v4.1: 41 of 1,614,012 alleles (0.0025%); highest among the groups gnomAD compares: Non-Finnish European, 0.0032%; no homozygotes.

Submissions (2):

PreventionGenetics, part of Exact Sciences
Classification: Likely benign for FGB-related condition. Last evaluated: 2024-10-19. Review status: criteria provided, single submitter. Criteria: ACMG Guidelines, 2015. Collection method: clinical testing. Allele origin: germline.
Comment: This variant is classified as likely benign based on ACMG/AMP sequence variant interpretation guidelines (Richards et al. 2015 PMID: 25741868, with internal and published modifications).

Labcorp Genetics (formerly Invitae), Labcorp
Classification: Likely benign. Last evaluated: 2024-10-02. Review status: criteria provided, single submitter. Criteria: Invitae Variant Classification Sherloc (09022015). Collection method: clinical testing. Allele origin: germline.

NM_005141.5(FGB):c.1221G>A (p.Thr407=)

Gene: FGB (fibrinogen beta chain; plus strand). Cytogenetic location: 4q31.3.
Variant type: single nucleotide variant.
Coding change: c.1221G>A on transcript NM_005141.5 (MANE Select); coding-DNA position 1221, G replaced by A.
Protein change: p.Thr407=; no amino-acid change (threonine 407 retained).
Molecular consequence: synonymous variant. On other transcripts: missense variant (1), splice donor variant (1).
Genome position (GRCh38, 1-based): chr4:154,569,776, G>A. VCF-style: chr4-154569776-G-A. GRCh37 (hg19) VCF-style: chr4-155490928-G-A.
Other names: c.1044G>A, p.Thr348= (NM_001184741.1); c.1089G>A, p.Thr363= (NM_001382759.1); c.1221G>A, p.Thr407= (NM_001382760.1, NM_001382761.1); c.921G>A, p.Thr307= (NM_001382762.1); c.1212G>A, p.Thr404= (NM_001382763.1); c.1084G>A, p.Val362Ile (NM_001382764.1); c.1220+1G>A (NM_001382765.1); short protein forms V362I.
Identifiers: ClinVar variation 3700200 (VCV003700200.3).